The following is an entry in ClinVar:

NM_005996.4(TBX3):c.673A>G (p.Met225Val)

Gene: TBX3 (T-box transcription factor 3; minus strand). Cytogenetic location: 12q24.21.
Variant type: single nucleotide variant.
Coding change: c.673A>G on transcript NM_005996.4 (MANE Select); coding-DNA position 673, A replaced by G.
Protein change: p.Met225Val; replaces methionine 225 with valine.
Molecular consequence: missense variant.
Genome position (GRCh38, 1-based): chr12:114,679,636, T>C on the plus strand (A>G on the coding strand, the complement: TBX3 is on the minus strand). VCF-style: chr12-114679636-T-C. GRCh37 (hg19) VCF-style: chr12-115117441-T-C.
Other names: c.733A>G, p.Met245Val (NM_016569.4); short protein forms M245V, M225V.
Identifiers: ClinVar variation 1500898 (VCV001500898.8), dbSNP rs2121396420, ClinGen allele CA386870612.
Genomic context (GRCh38, chr12:114,679,636, plus strand): 5'-AAGGGAGTTTCAAGATGTCATTGGCTCTTACAATGTGGAACCGGGGCTGGTATTTGTGCA[T>C]GGAGTTCAATATAGTCTGCAGGGGCAGGGAAGAGGAGACATACATAAAACAAGGATTTAG-3'
Protein context (NP_005987.3, residues 215-235): DKHGFTILNS[Met225Val]HKYQPRFHIV

ClinVar aggregate classification (germline): Uncertain significance (1 of 4 stars; one submission).

Conditions:
Ulnar-mammary syndrome (UMS). Also called: PALLISTER ULNAR-MAMMARY SYNDROME; SCHINZEL SYNDROME; Ulnar-mammary syndrome of Pallister. Identifiers: Orphanet 3138, MedGen C1866994, MONDO:0008411, OMIM 181450.

Submission:

Labcorp Genetics (formerly Invitae), Labcorp
Classification: Uncertain significance for Ulnar-mammary syndrome. Last evaluated: 2025-05-05. Review status: criteria provided, single submitter. Criteria: Invitae Variant Classification Sherloc (09022015). Collection method: clinical testing. Allele origin: germline.
Comment: This sequence change replaces methionine, which is neutral and non-polar, with valine, which is neutral and non-polar, at codon 225 of the TBX3 protein (p.Met225Val). This variant is not present in population databases (gnomAD no frequency). This variant has not been reported in the literature in individuals affected with TBX3-related conditions. ClinVar contains an entry for this variant (Variation ID: 1500898). An algorithm developed to predict the effect of missense changes on protein structure and function (PolyPhen-2) suggests that this variant is likely to be disruptive. In summary, the available evidence is currently insufficient to determine the role of this variant in disease. Therefore, it has been classified as a Variant of Uncertain Significance.